The following is an entry in ClinVar:

ClinVar aggregate classification (germline): Uncertain significance. Review status: criteria provided, multiple submitters, no conflicts (2 of 4 stars). 6 submissions from 6 submitters: Uncertain significance (6). Last evaluated 2025-09-03.

Conditions:
Colorectal cancer. Also called: Malignant Colorectal Neoplasm; Colorectal cancer, somatic. Identifiers: MedGen C0346629, MONDO:0005575, OMIM 114500.
Oligodontia-cancer predisposition syndrome. Also called: TOOTH AGENESIS-COLORECTAL CANCER SYNDROME. Identifiers: Orphanet 300576, MedGen C1837750, MONDO:0012075, OMIM 608615. Disease mechanism: loss of function.
Hereditary cancer-predisposing syndrome. Also called: Neoplastic Syndromes, Hereditary; Tumor predisposition; Hereditary Cancer Syndrome; Hereditary neoplastic syndrome. Identifiers: Orphanet 140162, MedGen C0027672, MeSH D009386, MONDO:0015356.

Allele frequency attached by ClinVar (database versions not stated): gnomAD exomes below 0.00001; gnomAD 0.00004; TOPMed 0.00005.
gnomAD v4.1: 14 of 1,612,576 alleles (0.00087%); highest among the groups gnomAD compares: African/African-American, 0.015%; no homozygotes.

Submissions (6):

Labcorp Genetics (formerly Invitae), Labcorp
Classification: Uncertain significance for Oligodontia-cancer predisposition syndrome. Last evaluated: 2025-09-03. Review status: criteria provided, single submitter. Criteria: Invitae Variant Classification Sherloc (09022015). Collection method: clinical testing. Allele origin: germline.
Comment: This sequence change replaces valine, which is neutral and non-polar, with isoleucine, which is neutral and non-polar, at codon 319 of the AXIN2 protein (p.Val319Ile). The frequency data for this variant in the population databases is considered unreliable, as metrics indicate poor data quality at this position in the gnomAD database. This variant has not been reported in the literature in individuals affected with AXIN2-related conditions. ClinVar contains an entry for this variant (Variation ID: 464651). An algorithm developed to predict the effect of missense changes on protein structure and function (PolyPhen-2) suggests that this variant is likely to be disruptive. In summary, the available evidence is currently insufficient to determine the role of this variant in disease. Therefore, it has been classified as a Variant of Uncertain Significance.

Ambry Genetics
Classification: Uncertain significance for Hereditary cancer-predisposing syndrome. Last evaluated: 2024-10-29. Review status: criteria provided, single submitter. Criteria: Ambry Variant Classification Scheme 2023. Collection method: clinical testing. Allele origin: germline.
Comment: The p.V319I variant (also known as c.955G>A), located in coding exon 2 of the AXIN2 gene, results from a G to A substitution at nucleotide position 955. The valine at codon 319 is replaced by isoleucine, an amino acid with highly similar properties. This amino acid position is highly conserved in available vertebrate species. In addition, this alteration is predicted to be tolerated by in silico analysis. Since supporting evidence is limited at this time, the clinical significance of this alteration remains unclear.

Quest Diagnostics Nichols Institute San Juan Capistrano
Classification: Uncertain significance. Last evaluated: 2024-10-15. Review status: criteria provided, single submitter. Criteria: Quest Diagnostics criteria. Collection method: clinical testing. Allele origin: unknown.
Comment: The AXIN2 c.955G>A (p.Val319Ile) variant has not been reported in individuals with AXIN2-related conditions in the published literature. The frequency of this variant in the general population, 0.0000071 (2/279964 chromosomes (Genome Aggregation Database)), is uninformative in the assessment of its pathogenicity. Analysis of this variant using bioinformatics tools for the prediction of the effect of amino acid changes on protein structure and function yielded predictions that this variant is benign. Based on the available information, we are unable to determine the clinical significance of this variant.

Baylor Genetics
Classification: Uncertain significance for Colorectal cancer. Last evaluated: 2023-11-13. Review status: criteria provided, single submitter. Criteria: ACMG Guidelines, 2015. Collection method: clinical testing. Allele origin: unknown.

GeneDx
Classification: Uncertain significance. Last evaluated: 2023-11-02. Review status: criteria provided, single submitter. Criteria: GeneDx Variant Classification Process June 2021. Collection method: clinical testing. Allele origin: germline. Affected: yes.
Comment: Not observed at significant frequency in large population cohorts (gnomAD); In silico analysis supports that this missense variant does not alter protein structure/function; Has not been previously published as pathogenic or benign to our knowledge

Fulgent Genetics
Classification: Uncertain significance for Colorectal cancer; Oligodontia-cancer predisposition syndrome. Last evaluated: 2022-05-31. Review status: criteria provided, single submitter. Criteria: ACMG Guidelines, 2015. Collection method: clinical testing. Allele origin: unknown.

NM_004655.4(AXIN2):c.955G>A (p.Val319Ile)

Gene: AXIN2 (axin 2; minus strand). Cytogenetic location: 17q24.1.
Variant type: single nucleotide variant.
Coding change: c.955G>A on transcript NM_004655.4 (MANE Select); coding-DNA position 955, G replaced by A.
Protein change: p.Val319Ile; replaces valine 319 with isoleucine.
Molecular consequence: missense variant.
Genome position (GRCh38, 1-based): chr17:65,549,521, C>T on the plus strand (G>A on the coding strand, the complement: AXIN2 is on the minus strand). VCF-style: chr17-65549521-C-T. GRCh37 (hg19) VCF-style: chr17-63545639-C-T.
Other names: c.955G>A, p.Val319Ile (NM_001363813.1); c.955G>A (LRG_296t1); short protein forms V319I.
Identifiers: ClinVar variation 464651 (VCV000464651.20), dbSNP rs913060347, ClinGen allele CA293103797.